The following is an entry in ClinVar:

ClinVar aggregate classification (germline): Likely benign. Review status: criteria provided, multiple submitters, no conflicts (2 of 4 stars). 4 submissions from 4 submitters: Likely benign (4). Last evaluated 2025-10-23.

Conditions:
Cardiomyopathy (CMYO). Also called: Cardiomyopathies. Identifiers: Orphanet 167848, MedGen C0878544, MONDO:0004994, HP:0001638. Inheritance: Various modes of inheritance.
Hypertrophic cardiomyopathy. Also called: HYPERTROPHIC MYOCARDIOPATHY. Identifiers: Orphanet 217569, MedGen C0007194, MeSH D002312, MONDO:0005045, HP:0001639.

Allele frequency attached by ClinVar (database versions not stated): gnomAD exomes 0.00001.
gnomAD v4.1: 14 of 1,612,730 alleles (0.00087%); highest among the groups gnomAD compares: Admixed American, 0.0017%; no homozygotes.

Submissions (4):

Labcorp Genetics (formerly Invitae), Labcorp
Classification: Likely benign for Hypertrophic cardiomyopathy. Last evaluated: 2025-10-23. Review status: criteria provided, single submitter. Criteria: Invitae Variant Classification Sherloc (09022015). Collection method: clinical testing. Allele origin: germline.

All of Us Research Program, National Institutes of Health
Classification: Likely benign for Hypertrophic cardiomyopathy. Last evaluated: 2023-12-01. Review status: criteria provided, single submitter. Criteria: ACMG Guidelines, 2015. Collection method: clinical testing. Allele origin: germline. Inheritance: Autosomal dominant inheritance. Observed: 3 variant alleles, 3 heterozygotes.
Comment: This study involves interpretation of variants in research participants for the purpose of population health screening. Participant phenotype was not available at the time of variant classification. Additional details can be found in publication PMID: 35346344, PMCID: PMC8962531

Color Diagnostics, LLC DBA Color Health
Classification: Likely benign for Cardiomyopathy. Last evaluated: 2020-04-28. Review status: criteria provided, single submitter. Criteria: ACMG Guidelines, 2015. Collection method: clinical testing. Allele origin: germline.

Blueprint Genetics
Classification: Likely benign. Last evaluated: 2019-05-26. Review status: criteria provided, single submitter. Criteria: ACMG Guidelines, 2015. Collection method: clinical testing. Allele origin: germline.

NM_000256.3(MYBPC3):c.3519G>A (p.Lys1173=)

Gene: MYBPC3 (myosin binding protein C3; minus strand). Cytogenetic location: 11p11.2.
Variant type: single nucleotide variant.
Coding change: c.3519G>A on transcript NM_000256.3 (MANE Select); coding-DNA position 3519, G replaced by A.
Protein change: p.Lys1173=; no amino-acid change (lysine 1173 retained).
Molecular consequence: synonymous variant.
Genome position (GRCh38, 1-based): chr11:47,332,674, C>T on the plus strand (G>A on the coding strand, the complement: MYBPC3 is on the minus strand). VCF-style: chr11-47332674-C-T. GRCh37 (hg19) VCF-style: chr11-47354225-C-T.
Identifiers: ClinVar variation 924416 (VCV000924416.8), dbSNP rs1555120305, ClinGen allele CA474428984.
Genomic context (GRCh38, chr11:47,332,674, plus strand): 5'-GATGACCGAGCGGTTCACCAGGGGCTGGGTGAAGCTTGGGGCCTCGGAGAAGTCCAGGGC[C>T]TTATAGTTGGGTGGCTCATAGGTGATGCCTGTTGGTGACAGGACTTGGTACCGAGAGGGC-3'
Protein context (NP_000247.2, residues 1163-1183): PGITYEPPNY[Lys1173=]ALDFSEAPSF